The following is an entry in ClinVar:

NM_001008388.5(CISD2):c.325G>A (p.Ala109Thr)

Genes: CISD2 (CDGSH iron sulfur domain 2; plus strand), SLC9B1 (solute carrier family 9 member B1; minus strand). Cytogenetic location: 4q24.
Variant type: single nucleotide variant.
Coding change: c.325G>A on transcript NM_001008388.5 (MANE Select); coding-DNA position 325, G replaced by A.
Protein change: p.Ala109Thr; replaces alanine 109 with threonine.
Molecular consequence: missense variant. On other transcripts: intron variant (1).
Genome position (GRCh38, 1-based): chr4:102,887,347, G>A. VCF-style: chr4-102887347-G-A. GRCh37 (hg19) VCF-style: chr4-103808504-G-A.
Other names: c.1333-2019C>T (NM_001100874.3); short protein forms A109T.
Identifiers: ClinVar variation 1364780 (VCV001364780.7), dbSNP rs1202424683, ClinGen allele CA357763253.

ClinVar aggregate classification (germline): Uncertain significance (1 of 4 stars; one submission).

Allele frequency attached by ClinVar (database versions not stated): gnomAD 0.00001.

Submission:

Labcorp Genetics (formerly Invitae), Labcorp
Classification: Uncertain significance. Last evaluated: 2022-07-26. Review status: criteria provided, single submitter. Criteria: Invitae Variant Classification Sherloc (09022015). Collection method: clinical testing. Allele origin: germline.
Comment: This sequence change replaces alanine, which is neutral and non-polar, with threonine, which is neutral and polar, at codon 109 of the CISD2 protein (p.Ala109Thr). This variant is not present in population databases (gnomAD no frequency). This variant has not been reported in the literature in individuals affected with CISD2-related conditions. ClinVar contains an entry for this variant (Variation ID: 1364780). Algorithms developed to predict the effect of missense changes on protein structure and function (SIFT, PolyPhen-2, Align-GVGD) all suggest that this variant is likely to be tolerated. In summary, the available evidence is currently insufficient to determine the role of this variant in disease. Therefore, it has been classified as a Variant of Uncertain Significance.